The following is an entry in ClinVar:

NM_003719.5(PDE8B):c.2290A>G (p.Asn764Asp)

Gene: PDE8B (phosphodiesterase 8B; plus strand). Cytogenetic location: 5q13.3.
Variant type: single nucleotide variant.
Coding change: c.2290A>G on transcript NM_003719.5 (MANE Select); coding-DNA position 2290, A replaced by G.
Protein change: p.Asn764Asp; replaces asparagine 764 with aspartic acid.
Molecular consequence: missense variant.
Genome position (GRCh38, 1-based): chr5:77,421,860, A>G. VCF-style: chr5-77421860-A-G. GRCh37 (hg19) VCF-style: chr5-76717685-A-G.
Other names: c.1999A>G, p.Asn667Asp (NM_001029851.4); c.2125A>G, p.Asn709Asp (NM_001029852.4); c.2230A>G, p.Asn744Asp (NM_001029853.4); c.2149A>G, p.Asn717Asp (NM_001029854.4); c.2287A>G, p.Asn763Asp (NM_001349748.3, NM_001349751.3); c.2353A>G, p.Asn785Asp (NM_001349749.3); c.2050A>G, p.Asn684Asp (NM_001349750.3); c.1984A>G, p.Asn662Asp (NM_001349752.3); and 12 more; short protein forms N543D, N615D, N662D, N717D, N566D, N640D, N666D, N744D.
Identifiers: ClinVar variation 1975170 (VCV001975170.5), dbSNP rs2532507826, ClinGen allele CA360183750.

ClinVar aggregate classification (germline): Uncertain significance (1 of 4 stars; one submission).

Submission:

Labcorp Genetics (formerly Invitae), Labcorp
Classification: Uncertain significance. Last evaluated: 2022-03-02. Review status: criteria provided, single submitter. Criteria: Invitae Variant Classification Sherloc (09022015). Collection method: clinical testing. Allele origin: germline.
Comment: In summary, the available evidence is currently insufficient to determine the role of this variant in disease. Therefore, it has been classified as a Variant of Uncertain Significance. Algorithms developed to predict the effect of missense changes on protein structure and function (SIFT, PolyPhen-2, Align-GVGD) all suggest that this variant is likely to be tolerated. This variant has not been reported in the literature in individuals affected with PDE8B-related conditions. This variant is not present in population databases (gnomAD no frequency). This sequence change replaces asparagine, which is neutral and polar, with aspartic acid, which is acidic and polar, at codon 764 of the PDE8B protein (p.Asn764Asp).